The following is an entry in ClinVar:

ClinVar aggregate classification (germline): Uncertain significance. Review status: criteria provided, multiple submitters, no conflicts (2 of 4 stars). 4 submissions from 4 submitters: Uncertain significance (3). 1 of the submissions does not count toward it. Last evaluated 2025-12-03.

Conditions:
SMARCA4-related disorder. Also called: SMARCA4-related condition.
Rhabdoid tumor predisposition syndrome 2 (RTPS2). Identifiers: Orphanet 231108, Orphanet 69077, MedGen C2750074, MONDO:0013224, OMIM 613325.
Hereditary cancer-predisposing syndrome. Also called: Hereditary neoplastic syndrome; Neoplastic Syndromes, Hereditary; Tumor predisposition; Hereditary Cancer Syndrome. Identifiers: Orphanet 140162, MedGen C0027672, MeSH D009386, MONDO:0015356.
Intellectual disability, autosomal dominant 16 (CSS4). Also called: COFFIN-SIRIS SYNDROME 4. Identifiers: Orphanet 1465, MedGen C3553249, MONDO:0013821, OMIM 614609.

Allele frequency attached by ClinVar (database versions not stated): gnomAD exomes below 0.00001; TOPMed below 0.00001; gnomAD 0.00001.
gnomAD v4.1: 4 of 1,589,378 alleles (0.00025%); highest among the groups gnomAD compares: African/African-American, 0.0013%; no homozygotes.

Submissions (4):

Labcorp Genetics (formerly Invitae), Labcorp
Classification: Uncertain significance for Rhabdoid tumor predisposition syndrome 2. Last evaluated: 2025-12-03. Review status: criteria provided, single submitter. Criteria: Invitae Variant Classification Sherloc (09022015). Collection method: clinical testing. Allele origin: germline.
Comment: This sequence change replaces methionine, which is neutral and non-polar, with threonine, which is neutral and polar, at codon 69 of the SMARCA4 protein (p.Met69Thr). This variant is not present in population databases (gnomAD no frequency). This variant has not been reported in the literature in individuals affected with SMARCA4-related conditions. ClinVar contains an entry for this variant (Variation ID: 470281). Invitae Evidence Modeling of protein sequence and biophysical properties (such as structural, functional, and spatial information, amino acid conservation, physicochemical variation, residue mobility, and thermodynamic stability) has been performed for this missense variant. However, the output from this modeling did not meet the statistical confidence thresholds required to predict the impact of this variant on SMARCA4 protein function. In summary, the available evidence is currently insufficient to determine the role of this variant in disease. Therefore, it has been classified as a Variant of Uncertain Significance.

Ambry Genetics
Classification: Uncertain significance for Hereditary cancer-predisposing syndrome. Last evaluated: 2023-06-13. Review status: criteria provided, single submitter. Criteria: Ambry Variant Classification Scheme 2023. Collection method: clinical testing. Allele origin: germline.
Comment: The p.M69T variant (also known as c.206T>C), located in coding exon 1 of the SMARCA4 gene, results from a T to C substitution at nucleotide position 206. The methionine at codon 69 is replaced by threonine, an amino acid with similar properties. This variant has been detected in multiple individuals with no reported features of SMARCA4-associated Coffin-Siris syndrome (Ambry internal data). This amino acid position is well conserved in available vertebrate species. In addition, the in silico prediction for this alteration is inconclusive. Missense and in-frame variants in SMARCA4 are known to cause neurodevelopmental disorders; however, such associations with rhabdoid tumor predisposition syndrome including small cell carcinoma of the ovary-hypercalcemic type (SCCOHT) are exceedingly rare (Kosho T et al. Am J Med Genet C Semin Med Genet. 2014 Sep;166C(3):262-75; Jelinic P et al. Nat Genet. 2014 May;46(5):424-6). Based on the supporting evidence, the association of this alteration with rhabdoid tumor predisposition syndrome is unknown; however, the association of this alteration with Coffin-Siris syndrome is unlikely.

Genome-Nilou Lab
Classification: Uncertain significance for Intellectual disability, autosomal dominant 16. Last evaluated: 2021-07-15. Review status: criteria provided, single submitter. Criteria: ACMG Guidelines, 2015. Collection method: clinical testing. Allele origin: germline. Affected: no.

PreventionGenetics, part of Exact Sciences
Classification: Uncertain significance for SMARCA4-related condition. Last evaluated: 2024-05-01. Review status: no assertion criteria provided. Collection method: clinical testing. Allele origin: germline. Not counted in ClinVar's aggregate classification.
Comment: The SMARCA4 c.206T>C variant is predicted to result in the amino acid substitution p.Met69Thr. To our knowledge, this variant has not been reported in the literature or in a large population database, indicating this variant is rare. This variant is interpreted as a variant of uncertain significance in ClinVar. At this time, the clinical significance of this variant is uncertain due to the absence of conclusive functional and genetic evidence.

NM_003072.5(SMARCA4):c.206T>C (p.Met69Thr)

Gene: SMARCA4 (SWI/SNF related BAF chromatin remodeling complex subunit ATPase 4; plus strand). Cytogenetic location: 19p13.2.
Variant type: single nucleotide variant.
Coding change: c.206T>C on transcript NM_003072.5 (MANE Select); coding-DNA position 206, T replaced by C.
Protein change: p.Met69Thr; replaces methionine 69 with threonine.
Molecular consequence: missense variant. On other transcripts: non-coding transcript variant (1).
Genome position (GRCh38, 1-based): chr19:10,984,357, T>C. VCF-style: chr19-10984357-T-C. GRCh37 (hg19) VCF-style: chr19-11095033-T-C.
Other names: c.206T>C, p.Met69Thr (NM_001128844.3, NM_001128845.2, NM_001128846.2 and 5 more transcripts); short protein forms M69T.
Identifiers: ClinVar variation 470281 (VCV000470281.18), dbSNP rs1443052655, ClinGen allele CA404054668.